The following is an entry in ClinVar:

ClinVar aggregate classification (germline): Uncertain significance (1 of 4 stars; one submission).

Submission:

GeneDx
Classification: Uncertain significance. Last evaluated: 2024-12-19. Review status: criteria provided, single submitter. Criteria: GeneDx Variant Classification Process June 2021. Collection method: clinical testing. Allele origin: germline. Affected: yes.
Comment: Not observed at significant frequency in large population cohorts (gnomAD); In silico analysis supports that this missense variant has a deleterious effect on protein structure/function; Has not been previously published as pathogenic or benign to our knowledge

NM_007126.5(VCP):c.965G>A (p.Arg322Gln)

Gene: VCP (valosin containing protein; minus strand). Cytogenetic location: 9p13.3.
Variant type: single nucleotide variant.
Coding change: c.965G>A on transcript NM_007126.5 (MANE Select); coding-DNA position 965, G replaced by A.
Protein change: p.Arg322Gln; replaces arginine 322 with glutamine.
Molecular consequence: missense variant.
Genome position (GRCh38, 1-based): chr9:35,062,119, C>T on the plus strand (G>A on the coding strand, the complement: VCP is on the minus strand). VCF-style: chr9-35062119-C-T. GRCh37 (hg19) VCF-style: chr9-35062116-C-T.
Other names: c.830G>A, p.Arg277Gln (NM_001354927.2, NM_001354928.2); short protein forms R277Q, R322Q.
Identifiers: ClinVar variation 3906292 (VCV003906292.1).